The following is an entry in ClinVar:

NM_001267550.2(TTN):c.44732T>C (p.Ile14911Thr)

Gene: TTN (titin; minus strand). Cytogenetic location: 2q31.2.
Variant type: single nucleotide variant.
Coding change: c.44732T>C on transcript NM_001267550.2 (MANE Select); coding-DNA position 44732, T replaced by C.
Protein change: p.Ile14911Thr; replaces isoleucine 14911 with threonine.
Molecular consequence: missense variant.
Genome position (GRCh38, 1-based): chr2:178,624,548, A>G on the plus strand (T>C on the coding strand, the complement: TTN is on the minus strand). VCF-style: chr2-178624548-A-G. GRCh37 (hg19) VCF-style: chr2-179489275-A-G.
Other names: c.39809T>C, p.Ile13270Thr (NM_001256850.1); c.17537T>C, p.Ile5846Thr (NM_003319.4); c.37028T>C, p.Ile12343Thr (NM_133378.4); c.17912T>C, p.Ile5971Thr (NM_133432.3); c.18113T>C, p.Ile6038Thr (NM_133437.4); short protein forms I12343T, I14911T, I13270T, I6038T, I5846T, I5971T.
Identifiers: ClinVar variation 191965 (VCV000191965.1), dbSNP rs754905274, ClinGen allele CA237980.

ClinVar aggregate classification (germline): Uncertain significance (1 of 4 stars; one submission).

Allele frequency attached by ClinVar (database versions not stated): TOPMed below 0.00001; gnomAD 0.00001.
gnomAD v4.1: 1 of 1,612,684 alleles (0.000062%); highest among the groups gnomAD compares: African/African-American, 0.0013%; no homozygotes.

Submission:

Biesecker Lab/Clinical Genomics Section, National Institutes of Health
Classification: Uncertain significance. Last evaluated: 2013-06-24. Review status: criteria provided, single submitter. Criteria: Ng et al. (Circ Cardiovasc Genet. 2013). Collection method: research. Allele origin: unknown. Observed: 1 variant allele. Study: ClinSeq.
Comment: The study set was not selected for affection status in relation to any cancer. Pathogenicity categories were based on literature curation. See Pubmed ID:23861362 for details.

Medical sequencing